The following is an entry in ClinVar:

NM_058216.3(RAD51C):c.*19dup

Gene: RAD51C (RAD51 paralog C; plus strand). Cytogenetic location: 17q22.
Variant type: Duplication.
Coding change: c.*19dup on transcript NM_058216.3 (MANE Select); 19 bases downstream of the stop codon, one base duplicated (A; older notation c.*19dupA).
Molecular consequence: 3 prime UTR variant. On other transcripts: non-coding transcript variant (1).
Genome position (GRCh38, 1-based): chr17:58,734,241, A duplicated; the last of 3 consecutive A bases (chr17:58,734,239-58,734,241); duplicating any one gives the same sequence. VCF-style (leftmost placement, unchanged base first): chr17-58734238-C-CA. GRCh37 (hg19) VCF-style: chr17-56811599-C-CA.
Identifiers: ClinVar variation 927516 (VCV000927516.3), dbSNP rs2049569143, ClinGen allele CA985044508.
Genomic context (GRCh38, chr17:58,734,238, plus strand): 5'-TTGAGCACCCGGAAACGGTCACGAGACCCAGAGGAAGAATTATAACCCAGAAACAAATCT[C>CA]AAAGTGTACAAATTTATTGATGTTGTGAAATCAATGTGTACAAGTGGACTTGTTACCTTA-3'

ClinVar aggregate classification (germline): Uncertain significance (1 of 4 stars; one submission).

Conditions:
Hereditary cancer-predisposing syndrome. Also called: Neoplastic Syndromes, Hereditary; Hereditary Cancer Syndrome; Tumor predisposition; Hereditary neoplastic syndrome. Identifiers: Orphanet 140162, MedGen C0027672, MeSH D009386, MONDO:0015356.

Submission:

Color Diagnostics, LLC DBA Color Health
Classification: Uncertain significance for Hereditary cancer-predisposing syndrome. Last evaluated: 2019-10-02. Review status: criteria provided, single submitter. Criteria: ACMG Guidelines, 2015. Collection method: clinical testing. Allele origin: germline.
Comment: This variant is located in the 3' untranslated region of the RAD51C gene. Splice site prediction tools suggest that this variant may not impact RNA splicing. To our knowledge, functional studies have not been performed for this variant. This variant has not been reported in individuals affected with hereditary cancer in the literature. This variant has not been identified in the general population by the Genome Aggregation Database (gnomAD). The available evidence is insufficient to determine the role of this variant in disease conclusively. Therefore, this variant is classified as a Variant of Uncertain Significance.